The following is an entry in ClinVar:

NM_001034853.2(RPGR):c.350G>T (p.Gly117Val)

Gene: RPGR (retinitis pigmentosa GTPase regulator; minus strand). Cytogenetic location: Xp11.4.
Variant type: single nucleotide variant.
Coding change: c.350G>T on transcript NM_001034853.2 (MANE Select); coding-DNA position 350, G replaced by T.
Protein change: p.Gly117Val; replaces glycine 117 with valine.
Molecular consequence: missense variant. On other transcripts: non-coding transcript variant (6).
Genome position (GRCh38, 1-based): chrX:38,318,948, C>A on the plus strand (G>T on the coding strand, the complement: RPGR is on the minus strand). VCF-style: chrX-38318948-C-A. GRCh37 (hg19) VCF-style: chrX-38178201-C-A.
Other names: c.350G>T, p.Gly117Val (NM_000328.3, NM_001367245.1, NM_001367246.1 and 3 more transcripts); c.380G>T, p.Gly127Val (NM_001367248.1); c.347G>T, p.Gly116Val (NM_001367249.1); short protein forms G116V, G117V, G127V.
Identifiers: ClinVar variation 3066183 (VCV003066183.1), dbSNP rs2519895135, ClinGen allele CA412745247.

ClinVar aggregate classification (germline): Likely pathogenic (1 of 4 stars; one submission).

Conditions:
Retinitis pigmentosa 3. Also called: CHOROIDORETINAL DEGENERATION WITH RETINAL REFLEX IN HETEROZYGOUS WOMEN. Identifiers: Orphanet 791, MedGen C1845667, MONDO:0010227, OMIM 300029.

Submission:

MVZ Medizinische Genetik Mainz
Classification: Likely pathogenic for Retinitis pigmentosa 3. Last evaluated: 2021-09-17. Review status: criteria provided, single submitter. Criteria: UK Practice Guidelines For Variant Classification V4 01 2020. Collection method: clinical testing. Allele origin: germline. Inheritance: Unknown mechanism. Affected: yes. Observed: 1 variant allele.
Comment: ACMG Criteria: PM1, PM5, PM2_SUP, PP3 (ACMG Version 3)